The following is an entry in ClinVar:

ClinVar aggregate classification (germline): Uncertain significance (1 of 4 stars; one submission).

Submission:

Ambry Genetics
Classification: Uncertain significance. Last evaluated: 2024-07-28. Review status: criteria provided, single submitter. Criteria: Ambry Variant Classification Scheme 2023. Collection method: clinical testing. Allele origin: germline.
Comment: The p.M320L variant (also known as c.958A>T), located in coding exon 4 of the MNDA gene, results from an A to T substitution at nucleotide position 958. The methionine at codon 320 is replaced by leucine, an amino acid with highly similar properties. This amino acid position is conserved. In addition, this alteration is predicted to be tolerated by in silico analysis. Based on the available evidence, the clinical significance of this variant remains unclear.

NM_002432.3(MNDA):c.958A>T (p.Met320Leu)

Gene: MNDA (myeloid cell nuclear differentiation antigen; plus strand). Cytogenetic location: 1q23.1.
Variant type: single nucleotide variant.
Coding change: c.958A>T on transcript NM_002432.3 (MANE Select); coding-DNA position 958, A replaced by T.
Protein change: p.Met320Leu; replaces methionine 320 with leucine.
Molecular consequence: missense variant.
Genome position (GRCh38, 1-based): chr1:158,845,974, A>T. VCF-style: chr1-158845974-A-T. GRCh37 (hg19) VCF-style: chr1-158815764-A-T.
Other names: short protein forms M320L.
Identifiers: ClinVar variation 3397278 (VCV003397278.1).